The following is an entry in ClinVar:

ClinVar aggregate classification (germline): Pathogenic (1 of 4 stars; one submission).

Conditions:
Angelman syndrome (AS). Also called: HAPPY PUPPET SYNDROME. Identifiers: Orphanet 72, MedGen C0162635, MONDO:0007113, OMIM 105830. Disease mechanism: loss of function. Inheritance: AS is caused by disruption of maternally imprinted UBE3A located within the 15q11.2-q13 Angelman syndrome/Prader-Willi syndrome (AS/PWS) region., imprinting disorder.

Submission:

Labcorp Genetics (formerly Invitae), Labcorp
Classification: Pathogenic for Angelman syndrome. Last evaluated: 2025-03-17. Review status: criteria provided, single submitter. Criteria: Invitae Variant Classification Sherloc (09022015). Collection method: clinical testing. Allele origin: germline.
Comment: This sequence change creates a premature translational stop signal (p.Asn200*) in the UBE3A gene. It is expected to result in an absent or disrupted protein product. Loss-of-function variants in UBE3A are known to be pathogenic (PMID: 25212744). This variant is not present in population databases (gnomAD no frequency). This variant has not been reported in the literature in individuals affected with UBE3A-related conditions. ClinVar contains an entry for this variant (Variation ID: 2090979). For these reasons, this variant has been classified as Pathogenic.

Literature cited by the submitters: PubMed 25212744.

NM_130839.5(UBE3A):c.656_657insTTGA (p.Asn219_Asn220insTer)

Genes: SNHG14 (small nucleolar RNA host gene 14; plus strand), UBE3A (ubiquitin protein ligase E3A; minus strand). Cytogenetic location: 15q11.2.
Variant type: Insertion.
Coding change: c.656_657insTTGA on transcript NM_130839.5 (MANE Select); coding-DNA positions 656 to 657, TTGA inserted.
Protein change: p.Asn219_Asn220insTer.
Molecular consequence: nonsense, inframe insertion. On other transcripts: non-coding transcript variant (1), intron variant (2).
Genome position: GRCh38 VCF-style: chr15-25371517-G-GTCAA. GRCh37 (hg19) VCF-style: chr15-25616664-G-GTCAA.
Other names: c.665_666insTTGA, p.Asn222_Asn223insTer (NM_000462.5); c.656_657insTTGA, p.Asn219_Asn220insTer (NM_001354505.1, NM_001354538.2, NM_001354545.2); c.596_597insTTGA, p.Asn199_Asn200insTer (NM_001354506.2, NM_001354507.2, NM_001354508.2 and 17 more transcripts); c.479_480insTTGA, p.Asn160_Asn161insTer (NM_001354546.2); c.301+3947_301+3948insATTG (NM_001354551.2); c.361+3947_361+3948insATTG (NM_001354550.2).
Identifiers: ClinVar variation 2090979 (VCV002090979.4), dbSNP rs2552191754, ClinGen allele CA2580089141.